The following is an entry in ClinVar:

NM_001386795.1(DTNA):c.877-8C>G

Gene: DTNA (dystrobrevin alpha; plus strand). Cytogenetic location: 18q12.1.
Variant type: single nucleotide variant.
Coding change: c.877-8C>G on transcript NM_001386795.1 (MANE Select); 8 bases into the intron before coding-DNA position 877, C replaced by G.
Molecular consequence: intron variant.
Genome position (GRCh38, 1-based): chr18:34,820,783, C>G. VCF-style: chr18-34820783-C-G. GRCh37 (hg19) VCF-style: chr18-32400747-C-G.
Other names: c.877-8C>G (NM_032975.4, NM_001386761.1, NM_001386762.1 and 34 more transcripts); c.603+8670C>G (NM_001198945.2); c.127-8C>G (NM_001198943.1); c.-78-8C>G (NM_001198942.1, NM_001198944.1, NM_032980.4 and 1 more transcripts).
Identifiers: ClinVar variation 385345 (VCV000385345.10), dbSNP rs764675965, ClinGen allele CA8935487.

ClinVar aggregate classification (germline): Likely benign. Review status: criteria provided, multiple submitters, no conflicts (2 of 4 stars). 3 submissions from 3 submitters: Likely benign (3). Last evaluated 2025-04-17.

Conditions:
Left ventricular noncompaction 1 (LVNC1). Also called: LEFT VENTRICULAR NONCOMPACTION 1 WITH OR WITHOUT CONGENITAL HEART DEFECTS. Identifiers: Orphanet 54260, MedGen C1858725, MONDO:0011403, OMIM 604169.

Allele frequency attached by ClinVar (database versions not stated): ExAC 0.00002; gnomAD 0.00003 and 0.00004; gnomAD exomes 0.00007 and 0.00005; TOPMed 0.00005.
gnomAD v4.1: 101 of 1,614,038 alleles (0.0063%); highest among the groups gnomAD compares: Non-Finnish European, 0.0082%; no homozygotes.

Submissions (3):

Labcorp Genetics (formerly Invitae), Labcorp
Classification: Likely benign for Left ventricular noncompaction 1. Last evaluated: 2025-04-17. Review status: criteria provided, single submitter. Criteria: Invitae Variant Classification Sherloc (09022015). Collection method: clinical testing. Allele origin: germline.

Blueprint Genetics
Classification: Likely benign. Last evaluated: 2020-11-17. Review status: criteria provided, single submitter. Criteria: ACMG Guidelines, 2015. Collection method: clinical testing. Allele origin: germline.

GeneDx
Classification: Likely benign. Last evaluated: 2016-04-07. Review status: criteria provided, single submitter. Criteria: GeneDx Variant Classification (06012015). Collection method: clinical testing. Allele origin: germline. Affected: yes.
Comment: This variant is considered likely benign or benign based on one or more of the following criteria: it is a conservative change, it occurs at a poorly conserved position in the protein, it is predicted to be benign by multiple in silico algorithms, and/or has population frequency not consistent with disease.